The following is an entry in ClinVar:

ClinVar aggregate classification (germline): Pathogenic (1 of 4 stars; one submission).

Conditions:
Hypercholesterolemia, autosomal dominant, type B (FHCL2). Also called: Hyperlipoproteinemia Type IIb; Familial Hypercholesterolemia Type B; APOLIPOPROTEIN B-100, FAMILIAL DEFECTIVE; APOLIPOPROTEIN B-100, FAMILIAL LIGAND-DEFECTIVE; HYPERCHOLESTEROLEMIA, FAMILIAL, DUE TO LIGAND-DEFECTIVE APOLIPOPROTEIN B; Familial hypercholesterolemia 2. Identifiers: MedGen C1704417, MONDO:0007751, OMIM 144010.

Allele frequency attached by ClinVar (database versions not stated): ExAC 0.00001.

Submission:

MVZ Medizinische Genetik Mainz
Classification: Pathogenic for Hypercholesterolemia, autosomal dominant, type B. Last evaluated: 2022-03-25. Review status: criteria provided, single submitter. Criteria: UK Practice Guidelines For Variant Classification V4 01 2020. Collection method: clinical testing. Allele origin: germline. Inheritance: Autosomal dominant inheritance. Affected: yes. Observed: 1 variant allele.
Comment: ACMG Criteria: PVS1, PM2_SUP

NM_000384.3(APOB):c.12797dup (p.Ser4267fs)

Gene: APOB (apolipoprotein B; minus strand). Cytogenetic location: 2p24.1.
Variant type: Duplication.
Coding change: c.12797dup on transcript NM_000384.3 (MANE Select); coding-DNA position 12797, one base duplicated (T; older notation c.12797dupT).
Protein change: p.Ser4267fs; shifts the reading frame from serine 4267.
Molecular consequence: frameshift variant.
Genome position (GRCh38, 1-based): chr2:21,002,625, A duplicated on the plus strand (T on the coding strand, the reverse complement: APOB is on the minus strand). VCF-style (leftmost placement, unchanged base first): chr2-21002624-G-GA. GRCh37 (hg19) VCF-style: chr2-21225496-G-GA.
Other names: short protein forms S4267fs.
Identifiers: ClinVar variation 3236789 (VCV003236789.1), dbSNP rs769836306.